The following is an entry in ClinVar:

NM_015915.5(ATL1):c.1329T>C (p.His443=)

Gene: ATL1 (atlastin GTPase 1; plus strand). Cytogenetic location: 14q22.1.
Variant type: single nucleotide variant.
Coding change: c.1329T>C on transcript NM_015915.5 (MANE Select); coding-DNA position 1329, T replaced by C.
Protein change: p.His443=; no amino-acid change (histidine 443 retained).
Molecular consequence: synonymous variant.
Genome position (GRCh38, 1-based): chr14:50,628,240, T>C. VCF-style: chr14-50628240-T-C. GRCh37 (hg19) VCF-style: chr14-51094958-T-C.
Other names: c.1329T>C, p.His443= (NM_001127713.1, NM_181598.4); c.1329T>C (NM_015915.4).
Identifiers: ClinVar variation 1169051 (VCV001169051.10), dbSNP rs146164574, ClinGen allele CA7180467.
Genomic context (GRCh38, chr14:50,628,240, plus strand): 5'-TGAAATAGATGAACTTTACATCCAATATATCAAGCACAATGATAGCAAAAATATCTTCCA[T>C]GCAGCTCGTACCCCAGCCACACTGTTTGTAGTCATCTTTATCACATATGTGATTGCTGGT-3'
Protein context (NP_056999.2, residues 433-453): IKHNDSKNIF[His443=]AARTPATLFV

ClinVar aggregate classification (germline): Benign/Likely benign. Review status: criteria provided, multiple submitters, no conflicts (2 of 4 stars). 2 submissions from 2 submitters: Benign (1); Likely benign (1). Last evaluated 2026-09-01.

Conditions:
Hereditary spastic paraplegia 3A (SPG3A). Also called: SPASTIC PARAPLEGIA 3, AUTOSOMAL DOMINANT; FAMILIAL SPASTIC PARAPLEGIA, AUTOSOMAL DOMINANT, 1; SPG3; STRUMPELL DISEASE; Spastic Paraplegia 3A; Spastic paraplegia 3A, autosomal dominant. Identifiers: Orphanet 100984, MedGen C2931355, MONDO:0008437, OMIM 182600.
ATL1-related disorder. Also called: ATL1-related condition.

Allele frequency attached by ClinVar (database versions not stated): gnomAD exomes 0.00003 and 0.00008; ExAC 0.00012; ESP Exome Variant Server 0.00023; gnomAD 0.00031 and 0.00032; TOPMed 0.00036; 1000 Genomes Project 30x 0.00047; 1000 Genomes Project 0.00060.
gnomAD v4.1: 92 of 1,614,200 alleles (0.0057%); highest among the groups gnomAD compares: African/African-American, 0.1%; no homozygotes.

Submissions (2):

PreventionGenetics, part of Exact Sciences
Classification: Likely benign for ATL1-related condition. Last evaluated: 2026-09-01. Review status: criteria provided, single submitter. Criteria: ACMG Guidelines, 2015. Collection method: clinical testing. Allele origin: germline.
Comment: This variant is classified as likely benign based on ACMG/AMP sequence variant interpretation guidelines (Richards et al. 2015 PMID: 25741868, with internal and published modifications).

Labcorp Genetics (formerly Invitae), Labcorp
Classification: Benign for Hereditary spastic paraplegia 3A. Last evaluated: 2026-01-12. Review status: criteria provided, single submitter. Criteria: Invitae Variant Classification Sherloc (09022015). Collection method: clinical testing. Allele origin: germline.